The following is an entry in ClinVar:

NM_000543.5(SMPD1):c.393C>T (p.Ala131=)

Gene: SMPD1 (sphingomyelin phosphodiesterase 1; plus strand). Cytogenetic location: 11p15.4.
Variant type: single nucleotide variant.
Coding change: c.393C>T on transcript NM_000543.5 (MANE Select); coding-DNA position 393, C replaced by T.
Protein change: p.Ala131=; no amino-acid change (alanine 131 retained).
Molecular consequence: synonymous variant. On other transcripts: 5 prime UTR variant (1), non-coding transcript variant (2).
Genome position (GRCh38, 1-based): chr11:6,391,458, C>T. VCF-style: chr11-6391458-C-T. GRCh37 (hg19) VCF-style: chr11-6412688-C-T.
Other names: c.390C>T, p.Ala130= (NM_001007593.3); c.393C>T, p.Ala131= (NM_001318087.2, NM_001365135.2); c.-569C>T (NM_001318088.2).
Identifiers: ClinVar variation 1087904 (VCV001087904.13), dbSNP rs778655099, ClinGen allele CA5852591.

ClinVar aggregate classification (germline): Likely benign. Review status: criteria provided, multiple submitters, no conflicts (2 of 4 stars). 3 submissions from 3 submitters: Likely benign (2). 1 of the submissions does not count toward it. Last evaluated 2025-12-07.

Conditions:
Niemann-Pick disease, type A. Also called: Infantile Neurovisceral ASMD (Niemann-Pick Disease Type A; NPD-A); SPHINGOMYELIN LIPIDOSIS; SPHINGOMYELINASE DEFICIENCY. Identifiers: Orphanet 77292, MedGen C0268242, MONDO:0009756, OMIM 257200. Disease mechanism: loss of function.
Niemann-Pick disease, type B. Also called: Chronic Visceral ASMD (Niemann-Pick Disease Type B; NPD-B). Identifiers: Orphanet 77293, MedGen C0268243, MONDO:0011871, OMIM 607616. Disease mechanism: loss of function.
Inborn genetic diseases. Identifiers: MedGen C0950123, MeSH D030342.
SMPD1-related disorder. Also called: SMPD1-related condition.

Allele frequency attached by ClinVar (database versions not stated): ExAC 0.00001; gnomAD 0.00001; gnomAD exomes 0.00002.

Submissions (3):

Labcorp Genetics (formerly Invitae), Labcorp
Classification: Likely benign for Niemann-Pick disease, type B; Niemann-Pick disease, type A. Last evaluated: 2025-12-07. Review status: criteria provided, single submitter. Criteria: Invitae Variant Classification Sherloc (09022015). Collection method: clinical testing. Allele origin: germline.

Ambry Genetics
Classification: Likely benign for Inborn genetic diseases. Last evaluated: 2022-08-22. Review status: criteria provided, single submitter. Criteria: Ambry Variant Classification Scheme 2023. Collection method: clinical testing. Allele origin: germline.

PreventionGenetics, part of Exact Sciences
Classification: Likely benign for SMPD1-related condition. Last evaluated: 2023-12-07. Review status: no assertion criteria provided. Collection method: clinical testing. Allele origin: germline. Not counted in ClinVar's aggregate classification.
Comment: This variant is classified as likely benign based on ACMG/AMP sequence variant interpretation guidelines (Richards et al. 2015 PMID: 25741868, with internal and published modifications).